The following is an entry in ClinVar:

ClinVar aggregate classification (germline): Uncertain significance. Review status: criteria provided, multiple submitters, no conflicts (2 of 4 stars). 2 submissions from 2 submitters: Uncertain significance (2). Last evaluated 2025-06-07.

Conditions:
Steel syndrome (STLS). Identifiers: Orphanet 438117, MedGen C3554594, MONDO:0014061, OMIM 615155.
Inborn genetic diseases. Identifiers: MedGen C0950123, MeSH D030342.

Allele frequency attached by ClinVar (database versions not stated): gnomAD exomes below 0.00001; gnomAD 0.00001.

Submissions (2):

Ambry Genetics
Classification: Uncertain significance for Inborn genetic diseases. Last evaluated: 2025-06-07. Review status: criteria provided, single submitter. Criteria: Ambry Variant Classification Scheme 2023. Collection method: clinical testing. Allele origin: germline.

Baylor Genetics
Classification: Uncertain significance for Steel syndrome. Last evaluated: 2020-05-05. Review status: criteria provided, single submitter. Criteria: ACMG Guidelines, 2015. Collection method: clinical testing. Allele origin: unknown. Affected: yes.
Comment: This variant was determined to be of uncertain significance according to ACMG Guidelines, 2015 [PMID:25741868].

NM_032888.4(COL27A1):c.5215A>G (p.Lys1739Glu)

Gene: COL27A1 (collagen type XXVII alpha 1 chain; plus strand). Cytogenetic location: 9q32.
Variant type: single nucleotide variant.
Coding change: c.5215A>G on transcript NM_032888.4 (MANE Select); coding-DNA position 5215, A replaced by G.
Protein change: p.Lys1739Glu; replaces lysine 1739 with glutamic acid.
Molecular consequence: missense variant.
Genome position (GRCh38, 1-based): chr9:114,307,776, A>G. VCF-style: chr9-114307776-A-G. GRCh37 (hg19) VCF-style: chr9-117070056-A-G.
Other names: short protein forms K1739E.
Identifiers: ClinVar variation 1031006 (VCV001031006.2), dbSNP rs1829161753, ClinGen allele CA374596591.